The following is an entry in ClinVar:

NM_017852.5(NLRP2):c.917G>A (p.Gly306Glu)

Gene: NLRP2 (NLR family pyrin domain containing 2; plus strand). Cytogenetic location: 19q13.42.
Variant type: single nucleotide variant.
Coding change: c.917G>A on transcript NM_017852.5 (MANE Select); coding-DNA position 917, G replaced by A.
Protein change: p.Gly306Glu; replaces glycine 306 with glutamic acid.
Molecular consequence: missense variant. On other transcripts: non-coding transcript variant (1).
Genome position (GRCh38, 1-based): chr19:54,982,615, G>A. VCF-style: chr19-54982615-G-A. GRCh37 (hg19) VCF-style: chr19-55493983-G-A.
Other names: c.917G>A, p.Gly306Glu (NM_001174081.3); c.851G>A, p.Gly284Glu (NM_001174082.3); c.848G>A, p.Gly283Glu (NM_001174083.2); c.908G>A, p.Gly303Glu (NM_001348003.2); short protein forms G283E, G284E, G303E, G306E.
Identifiers: ClinVar variation 3373513 (VCV003373513.1).

ClinVar aggregate classification (germline): Uncertain significance (1 of 4 stars; one submission).

Submission:

GeneDx
Classification: Uncertain significance. Last evaluated: 2024-02-29. Review status: criteria provided, single submitter. Criteria: GeneDx Variant Classification Process June 2021. Collection method: clinical testing. Allele origin: germline. Affected: yes.
Comment: Not observed at significant frequency in large population cohorts (gnomAD); In silico analysis supports that this missense variant has a deleterious effect on protein structure/function; Has not been previously published as pathogenic or benign to our knowledge